The following is an entry in ClinVar:

NM_001267550.2(TTN):c.92013G>A (p.Glu30671=)

Genes: TTN (titin; minus strand), TTN-AS1 (TTN antisense RNA 1; plus strand). Cytogenetic location: 2q31.2.
Variant type: single nucleotide variant.
Coding change: c.92013G>A on transcript NM_001267550.2 (MANE Select); coding-DNA position 92013, G replaced by A.
Protein change: p.Glu30671=; no amino-acid change (glutamic acid 30671 retained).
Molecular consequence: synonymous variant.
Genome position (GRCh38, 1-based): chr2:178,549,709, C>T on the plus strand (G>A on the coding strand, the complement: TTN is on the minus strand). VCF-style: chr2-178549709-C-T. GRCh37 (hg19) VCF-style: chr2-179414436-C-T.
Other names: c.87090G>A, p.Glu29030= (NM_001256850.1); c.64818G>A, p.Glu21606= (NM_003319.4); c.84309G>A, p.Glu28103= (NM_133378.4); c.65193G>A, p.Glu21731= (NM_133432.3); c.65394G>A, p.Glu21798= (NM_133437.4).
Identifiers: ClinVar variation 2586561 (VCV002586561.27), dbSNP rs746522612, ClinGen allele CA1987518.
Genomic context (GRCh38, chr2:178,549,709, plus strand): 5'-TTGGTATTCATTGCCGTTTATTAGTTTAATGGCAGTGTAACTTTGGGCTTCACATTTATC[C>T]TCAATTAGTGCCCAGGCAAGTCTGCTGGTTTCCCGTTTTTCAATGATGTAGTGGGTTATG-3'
Protein context (NP_001254479.2, residues 30661-30681): ETSRLAWALI[Glu30671=]DKCEAQSYTA

ClinVar aggregate classification (germline): Likely benign. Review status: criteria provided, multiple submitters, no conflicts (2 of 4 stars). 3 submissions from 3 submitters: Likely benign (3). Last evaluated 2025-05-15.

Conditions:
TTN-related disorder. Also called: TTN-related disorders; TTN-related condition; TTN-related disease.
Cardiovascular phenotype. Identifiers: MedGen CN230736.

Allele frequency attached by ClinVar (database versions not stated): ExAC 0.00001; TOPMed 0.00001; gnomAD 0.00002.
gnomAD v4.1: 17 of 1,613,576 alleles (0.0011%); highest among the groups gnomAD compares: Non-Finnish European, 0.0014%; no homozygotes.

Submissions (3):

PreventionGenetics, part of Exact Sciences
Classification: Likely benign for TTN-related condition. Last evaluated: 2025-05-15. Review status: criteria provided, single submitter. Criteria: ACMG Guidelines, 2015. Collection method: clinical testing. Allele origin: germline.
Comment: This variant is classified as likely benign based on ACMG/AMP sequence variant interpretation guidelines (Richards et al. 2015 PMID: 25741868, with internal and published modifications).

Ambry Genetics
Classification: Likely benign for Cardiovascular phenotype. Last evaluated: 2023-08-03. Review status: criteria provided, single submitter. Criteria: Ambry Variant Classification Scheme 2023. Collection method: clinical testing. Allele origin: germline.

CeGaT Center for Human Genetics Tuebingen
Classification: Likely benign. Last evaluated: 2022-06-01. Review status: criteria provided, single submitter. Criteria: CeGaT Center For Human Genetics Tuebingen Variant Classification Criteria Version 2. Collection method: clinical testing. Allele origin: germline. Affected: yes. Observed: 1 variant allele.
Comment: TTN: BP4, BP7